The following is an entry in ClinVar:

NM_016525.5(UBAP1):c.-154A>G

Gene: UBAP1 (ubiquitin associated protein 1; plus strand). Cytogenetic location: 9p13.3.
Variant type: single nucleotide variant.
Coding change: c.-154A>G on transcript NM_016525.5 (MANE Select); 154 bases upstream of the start codon, A replaced by G.
Molecular consequence: 5 prime UTR variant. On other transcripts: missense variant (2), non-coding transcript variant (1).
Genome position (GRCh38, 1-based): chr9:34,179,094, A>G. VCF-style: chr9-34179094-A-G. GRCh37 (hg19) VCF-style: chr9-34179092-A-G.
Other names: c.80A>G, p.Asp27Gly (NM_001171201.1, NM_001171202.1); c.-309A>G (NM_001171203.3); c.-277A>G (NM_001171204.3); short protein forms D27G.
Identifiers: ClinVar variation 4881479 (VCV004881479.2).

ClinVar aggregate classification (germline): Uncertain significance (1 of 4 stars; one submission).

Submission:

Dasa
Classification: Uncertain significance. Last evaluated: 2025-05-28. Review status: criteria provided, single submitter. Criteria: DASA Assertion Criteria. Collection method: clinical testing. Allele origin: germline.
Comment: NM_001171201.1(UBAP1):c.80A>G (p.Asp27Gly) is a missense variant that results in the substitution of aspartic acid with glycine. This variant is rare in population databases. Computational prediction algorithms are consistent with a benign effect. The currently available literature and clinical evidence are not sufficient to establish a definitive association between this variant and the reported condition. Therefore, this variant is classified as a variant of uncertain significance.